The following is an entry in ClinVar:

NM_005555.4(KRT6B):c.1210_1212dup (p.Asn404_Leu405insAsn)

Gene: KRT6B (keratin 6B; minus strand). Cytogenetic location: 12q13.13.
Variant type: Duplication.
Coding change: c.1210_1212dup on transcript NM_005555.4 (MANE Select); coding-DNA positions 1210 to 1212, 3 bases duplicated (AAC; older notation c.1210_1212dupAAC).
Protein change: p.Asn404_Leu405insAsn.
Genome position (GRCh38, 1-based): chr12:52,447,990-52,447,992, GTT duplicated on the plus strand (AAC on the coding strand, the reverse complement: KRT6B is on the minus strand); duplicating any 3 consecutive bases within chr12:52,447,990-52,447,993 gives the same sequence; the c. name uses the placement nearest the transcript's 3' end. VCF-style (leftmost placement, unchanged base first): chr12-52447989-G-GGTT. GRCh37 (hg19) VCF-style: chr12-52841773-G-GGTT.
Identifiers: ClinVar variation 3702925 (VCV003702925.2).

ClinVar aggregate classification (germline): Uncertain significance (1 of 4 stars; one submission).

Submission:

Labcorp Genetics (formerly Invitae), Labcorp
Classification: Uncertain significance. Last evaluated: 2025-08-04. Review status: criteria provided, single submitter. Criteria: Invitae Variant Classification Sherloc (09022015). Collection method: clinical testing. Allele origin: germline.
Comment: This variant, c.1210_1212dup, results in the insertion of 1 amino acid(s) of the KRT6B protein (p.Asn404dup), but otherwise preserves the integrity of the reading frame. This variant is present in population databases (rs774025074, gnomAD 0.03%), and has an allele count higher than expected for a pathogenic variant. This variant has not been reported in the literature in individuals affected with KRT6B-related conditions. ClinVar contains an entry for this variant (Variation ID: 3702925). Experimental studies and prediction algorithms are not available or were not evaluated, and the functional significance of this variant is currently unknown. In summary, the available evidence is currently insufficient to determine the role of this variant in disease. Therefore, it has been classified as a Variant of Uncertain Significance.